The following is an entry in ClinVar:

NM_201384.3(PLEC):c.10230C>G (p.His3410Gln)

Gene: PLEC (plectin; minus strand). Cytogenetic location: 8q24.3.
Variant type: single nucleotide variant.
Coding change: c.10230C>G on transcript NM_201384.3 (MANE Select); coding-DNA position 10230, C replaced by G.
Protein change: p.His3410Gln; replaces histidine 3410 with glutamine.
Molecular consequence: missense variant.
Genome position (GRCh38, 1-based): chr8:143,919,591, G>C on the plus strand (C>G on the coding strand, the complement: PLEC is on the minus strand). VCF-style: chr8-143919591-G-C. GRCh37 (hg19) VCF-style: chr8-144993759-G-C.
Other names: c.10311C>G, p.His3437Gln (NM_000445.5); c.6930C>G, p.His2310Gln (NM_001410941.1); c.10188C>G, p.His3396Gln (NM_201378.4); c.10164C>G, p.His3388Gln (NM_201379.3); c.10641C>G, p.His3547Gln (NM_201380.4); c.10134C>G, p.His3378Gln (NM_201381.3); c.10230C>G, p.His3410Gln (NM_201382.4); c.10242C>G, p.His3414Gln (NM_201383.3); short protein forms H2310Q, H3410Q, H3378Q, H3396Q, H3414Q, H3437Q, H3388Q, H3547Q.
Identifiers: ClinVar variation 1952403 (VCV001952403.5), dbSNP rs377293976, ClinGen allele CA372502670.

ClinVar aggregate classification (germline): Uncertain significance (1 of 4 stars; one submission).

Conditions:
Epidermolysis bullosa simplex 5B, with muscular dystrophy (EBS5B). Also called: Epidermolysis bullosa simplex with muscular dystrophy; EPIDERMOLYSIS BULLOSA SIMPLEX AND LIMB-GIRDLE MUSCULAR DYSTROPHY. Identifiers: Orphanet 257, MedGen C2931072, MONDO:0009181, OMIM 226670.
Epidermolysis bullosa simplex, Ogna type (EBS5A). Also called: Pidermolysis bullosa simplex 5A, Ogna type; EPIDERMOLYSIS BULLOSA SIMPLEX 5A, OGNA TYPE. Identifiers: Orphanet 79401, MedGen C0432317, MONDO:0007555, OMIM 131950.
Epidermolysis bullosa simplex with nail dystrophy (EBS5D). Identifiers: MedGen C4225309, MONDO:0014661, OMIM 616487.
Epidermolysis bullosa simplex 5C, with pyloric atresia (EBS5C). Also called: PLEC1-Related Epidermolysis Bullosa with Pyloric Atresia; PLEC-Related Epidermolysis Bullosa with Pyloric Atresia; Epidermolysis bullosa simplex with pyloric atresia. Identifiers: Orphanet 158684, MedGen C2677349, MONDO:0012807, OMIM 612138.
Autosomal recessive limb-girdle muscular dystrophy type 2Q (LGMDR17). Also called: MUSCULAR DYSTROPHY, LIMB-GIRDLE, AUTOSOMAL RECESSIVE 17. Identifiers: Orphanet 254361, MedGen C3150989, MONDO:0013390, OMIM 613723.

Submission:

Labcorp Genetics (formerly Invitae), Labcorp
Classification: Uncertain significance for Autosomal recessive limb-girdle muscular dystrophy type 2Q; Epidermolysis bullosa simplex, Ogna type; Epidermolysis bullosa simplex with nail dystrophy; Epidermolysis bullosa simplex 5C, with pyloric atresia; Epidermolysis bullosa simplex 5B, with muscular dystrophy. Last evaluated: 2021-12-17. Review status: criteria provided, single submitter. Criteria: Invitae Variant Classification Sherloc (09022015). Collection method: clinical testing. Allele origin: germline.
Comment: In summary, the available evidence is currently insufficient to determine the role of this variant in disease. Therefore, it has been classified as a Variant of Uncertain Significance. Algorithms developed to predict the effect of sequence changes on RNA splicing suggest that this variant may create or strengthen a splice site. Algorithms developed to predict the effect of missense changes on protein structure and function are either unavailable or do not agree on the potential impact of this missense change (SIFT: "Tolerated"; PolyPhen-2: "Possibly Damaging"; Align-GVGD: "Class C0"). This variant has not been reported in the literature in individuals affected with PLEC-related conditions. This variant is not present in population databases (gnomAD no frequency). This sequence change replaces histidine, which is basic and polar, with glutamine, which is neutral and polar, at codon 3437 of the PLEC protein (p.His3437Gln).